The following is an entry in ClinVar:

NM_000052.7(ATP7A):c.2158T>G (p.Cys720Gly)

Gene: ATP7A (ATPase copper transporting alpha; plus strand). Cytogenetic location: Xq21.1.
Variant type: single nucleotide variant.
Coding change: c.2158T>G on transcript NM_000052.7 (MANE Select); coding-DNA position 2158, T replaced by G.
Protein change: p.Cys720Gly; replaces cysteine 720 with glycine.
Molecular consequence: missense variant.
Genome position (GRCh38, 1-based): chrX:78,011,660, T>G. VCF-style: chrX-78011660-T-G. GRCh37 (hg19) VCF-style: chrX-77267157-T-G.
Other names: c.2158T>G, p.Cys720Gly (NM_001282224.2); short protein forms C720G.
Identifiers: ClinVar variation 588003 (VCV000588003.15), dbSNP rs1569549892, ClinGen allele CA413598543.
Genomic context (GRCh38, chrX:78,011,660, plus strand): 5'-TTCCTGGAGCGCCAGATTCTTCCAGGATTGTCTGTTATGAATTTGCTGTCCTTTTTATTG[T>G]GTGTACCTGTACAGGCAAGTGAATTGTTAGCAAATATATTTGTTAATAATAAAAAATAAG-3'
Protein context (NP_000043.4, residues 710-730): SVMNLLSFLL[Cys720Gly]VPVQFFGGWY

ClinVar aggregate classification (germline): Uncertain significance. Review status: criteria provided, multiple submitters, no conflicts (2 of 4 stars). 4 submissions from 4 submitters: Uncertain significance (3). 1 of the submissions does not count toward it. Last evaluated 2024-08-11.

Conditions:
Inborn genetic diseases. Identifiers: MedGen C0950123, MeSH D030342.
Menkes kinky-hair syndrome (MNK). Also called: Menkes Disease; Copper transport disease; Classic Menkes Disease. Identifiers: Orphanet 565, MedGen C0022716, MONDO:0010651, OMIM 309400.
Cutis laxa, X-linked (OHS). Also called: EDS IX; Occipital horn syndrome. Identifiers: Orphanet 198, MedGen C0268353, MONDO:0010572, OMIM 304150.
X-linked distal spinal muscular atrophy type 3. Also called: ATP7A-Related Distal Motor Neuropathy; NEURONOPATHY, DISTAL HEREDITARY MOTOR, X-LINKED; NEUROPATHY, DISTAL HEREDITARY MOTOR, X-LINKED; SPINAL MUSCULAR ATROPHY, DISTAL, X-LINKED RECESSIVE. Identifiers: Orphanet 139557, MedGen C1845359, MONDO:0010338, OMIM 300489.

Allele frequency attached by ClinVar (database versions not stated): gnomAD 0.00001; gnomAD exomes 0.00001; TOPMed 0.00001.
gnomAD v4.1: 11 of 1,206,716 alleles (0.00091%); highest among the groups gnomAD compares: African/African-American, 0.0018%; no homozygotes.

Submissions (4):

Labcorp Genetics (formerly Invitae), Labcorp
Classification: Uncertain significance for X-linked distal spinal muscular atrophy type 3; Cutis laxa, X-linked; Menkes kinky-hair syndrome. Last evaluated: 2024-08-11. Review status: criteria provided, single submitter. Criteria: Invitae Variant Classification Sherloc (09022015). Collection method: clinical testing. Allele origin: germline.
Comment: This sequence change replaces cysteine, which is neutral and slightly polar, with glycine, which is neutral and non-polar, at codon 720 of the ATP7A protein (p.Cys720Gly). This variant is not present in population databases (gnomAD no frequency). This variant has not been reported in the literature in individuals affected with ATP7A-related conditions. ClinVar contains an entry for this variant (Variation ID: 588003). Advanced modeling of protein sequence and biophysical properties (such as structural, functional, and spatial information, amino acid conservation, physicochemical variation, residue mobility, and thermodynamic stability) has been performed at Invitae for this missense variant, however the output from this modeling did not meet the statistical confidence thresholds required to predict the impact of this variant on ATP7A protein function. In summary, the available evidence is currently insufficient to determine the role of this variant in disease. Therefore, it has been classified as a Variant of Uncertain Significance.

GeneDx
Classification: Uncertain significance. Last evaluated: 2024-04-03. Review status: criteria provided, single submitter. Criteria: GeneDx Variant Classification Process June 2021. Collection method: clinical testing. Allele origin: germline. Affected: yes.
Comment: Identified in an individual with a motor neuropathy with upper and lower motor neuron involvement, inherited from their mother with later-onset upper motor neuron symptoms; however, this individual and their mother were also identified to be homoplasmic for an MT-ATP6 variant (PMID: 38481354); Not observed at significant frequency in large population cohorts (gnomAD); In silico analysis supports that this missense variant has a deleterious effect on protein structure/function; This variant is associated with the following publications: (PMID: 38481354)

Ambry Genetics
Classification: Uncertain significance for Inborn genetic diseases. Last evaluated: 2016-07-06. Review status: criteria provided, single submitter. Criteria: Ambry Variant Classification Scheme 2023. Collection method: clinical testing. Allele origin: germline.
Comment: The p.C720G variant (also known as c.2158T>G), located in coding exon 8 of the ATP7A gene, results from a T to G substitution at nucleotide position 2158. The cysteine at codon 720 is replaced by glycine, an amino acid with highly dissimilar properties. This variant was not reported in population based cohorts in the following databases: Database of Single Nucleotide Polymorphisms (dbSNP), NHLBI Exome Sequencing Project (ESP), and 1000 Genomes Project. In the ESP, this variant was not observed in 6499 samples with coverage at this position. This amino acid position is highly conserved in available vertebrate species. In addition, this alteration is predicted to be deleterious by in silico analysis. Since supporting evidence is limited at this time, the clinical significance of this variant remains unclear.

Natera, Inc.
Classification: Uncertain significance for Menkes kinky hair syndrome. Last evaluated: 2020-07-07. Review status: no assertion criteria provided. Collection method: clinical testing. Allele origin: germline. Not counted in ClinVar's aggregate classification.